The following is an entry in ClinVar:

NM_001253697.2(ERBIN):c.1772A>G (p.His591Arg)

Gene: ERBIN (erbb2 interacting protein; plus strand). Cytogenetic location: 5q12.3.
Variant type: single nucleotide variant.
Coding change: c.1772A>G on transcript NM_001253697.2 (MANE Select); coding-DNA position 1772, A replaced by G.
Protein change: p.His591Arg; replaces histidine 591 with arginine.
Molecular consequence: missense variant.
Genome position (GRCh38, 1-based): chr5:66,046,522, A>G. VCF-style: chr5-66046522-A-G. GRCh37 (hg19) VCF-style: chr5-65342350-A-G.
Other names: c.1772A>G, p.His591Arg (NM_001006600.3, NM_001253698.2, NM_001253699.2 and 1 more transcripts); c.1760A>G, p.His587Arg (NM_001253701.2); short protein forms H591R, H587R.
Identifiers: ClinVar variation 1386245 (VCV001386245.8), dbSNP rs558900906, ClinGen allele CA3286329.

ClinVar aggregate classification (germline): Uncertain significance (1 of 4 stars; one submission).

Allele frequency attached by ClinVar (database versions not stated): TOPMed below 0.00001; gnomAD 0.00001; gnomAD exomes 0.00003 and 0.00005; ExAC 0.00007; 1000 Genomes Project 30x 0.00016; 1000 Genomes Project 0.00020.
gnomAD v4.1: 41 of 1,582,186 alleles (0.0026%); highest among the groups gnomAD compares: South Asian, 0.044%; 1 homozygote.

Submission:

Labcorp Genetics (formerly Invitae), Labcorp
Classification: Uncertain significance. Last evaluated: 2025-06-15. Review status: criteria provided, single submitter. Criteria: Invitae Variant Classification Sherloc (09022015). Collection method: clinical testing. Allele origin: germline.
Comment: This sequence change replaces histidine, which is basic and polar, with arginine, which is basic and polar, at codon 591 of the ERBIN protein (p.His591Arg). This variant is present in population databases (rs558900906, gnomAD 0.04%). This variant has not been reported in the literature in individuals affected with ERBIN-related conditions. ClinVar contains an entry for this variant (Variation ID: 1386245). An algorithm developed to predict the effect of missense changes on protein structure and function (PolyPhen-2) suggests that this variant is likely to be tolerated. In summary, the available evidence is currently insufficient to determine the role of this variant in disease. Therefore, it has been classified as a Variant of Uncertain Significance.